The following is an entry in ClinVar:

ClinVar aggregate classification (germline): Likely benign. Review status: criteria provided, multiple submitters, no conflicts (2 of 4 stars). 2 submissions from 2 submitters: Likely benign (2). Last evaluated 2025-10-21.

Conditions:
Primary dilated cardiomyopathy (DCM). Also called: Dilated Cardiomyopathy. Identifiers: Orphanet 217604, MedGen C0007193, MeSH D002311, MONDO:0005021, HP:0001644. Inheritance: Various modes of inheritance.

Allele frequency attached by ClinVar (database versions not stated): gnomAD exomes below 0.00001; TOPMed 0.00003; gnomAD 0.00004 and 0.00006.
gnomAD v4.1: 11 of 1,611,506 alleles (0.00068%); highest among the groups gnomAD compares: African/African-American, 0.011%; no homozygotes.

Submissions (2):

Labcorp Genetics (formerly Invitae), Labcorp
Classification: Likely benign for Primary dilated cardiomyopathy. Last evaluated: 2025-10-21. Review status: criteria provided, single submitter. Criteria: Invitae Variant Classification Sherloc (09022015). Collection method: clinical testing. Allele origin: germline.

GeneDx
Classification: Likely benign. Last evaluated: 2017-05-17. Review status: criteria provided, single submitter. Criteria: GeneDx Variant Classification (06012015). Collection method: clinical testing. Allele origin: germline. Affected: yes.
Comment: This variant is considered likely benign or benign based on one or more of the following criteria: it is a conservative change, it occurs at a poorly conserved position in the protein, it is predicted to be benign by multiple in silico algorithms, and/or has population frequency not consistent with disease.

NM_006440.5(TXNRD2):c.1445+13G>T

Gene: TXNRD2 (thioredoxin reductase 2; minus strand). Cytogenetic location: 22q11.21.
Variant type: single nucleotide variant.
Coding change: c.1445+13G>T on transcript NM_006440.5 (MANE Select); 13 bases into the intron after coding-DNA position 1445, G replaced by T.
Molecular consequence: intron variant.
Genome position (GRCh38, 1-based): chr22:19,878,077, C>A on the plus strand (G>T on the coding strand, the complement: TXNRD2 is on the minus strand). VCF-style: chr22-19878077-C-A. GRCh37 (hg19) VCF-style: chr22-19865600-C-A.
Other names: c.1442+13G>T (NM_001352300.2); c.1157+13G>T (NM_001352302.2); c.1355+13G>T (NM_001352301.2).
Identifiers: ClinVar variation 509638 (VCV000509638.9), dbSNP rs938029725, ClinGen allele CA322075499.